The following is an entry in ClinVar:

NM_000062.3(SERPING1):c.1250-538T>C

Gene: SERPING1 (serpin family G member 1; plus strand). Cytogenetic location: 11q12.1.
Variant type: single nucleotide variant.
Coding change: c.1250-538T>C on transcript NM_000062.3 (MANE Select); 538 bases into the intron before coding-DNA position 1250, T replaced by C.
Molecular consequence: intron variant.
Genome position (GRCh38, 1-based): chr11:57,613,790, T>C. VCF-style: chr11-57613790-T-C. GRCh37 (hg19) VCF-style: chr11-57381263-T-C.
Other names: c.1250-538T>C (NM_001032295.2).
Identifiers: ClinVar variation 983235 (VCV000983235.2), dbSNP rs10896631, ClinGen allele CA15699213.

ClinVar aggregate classification (germline): Benign (1 of 4 stars; one submission).

Conditions:
Hereditary angioedema type 1 (HAE1). Identifiers: Orphanet 100050, Orphanet 100051, Orphanet 91378, MedGen C2717906, MONDO:0015053, OMIM 106100.

Allele frequency attached by ClinVar (database versions not stated): 1000 Genomes Project 0.14956; 1000 Genomes Project 30x 0.15194; TOPMed 0.19625; gnomAD 0.21143 and 0.21295.
gnomAD v4.1: 32,196 of 151,892 alleles (21%); highest among the groups gnomAD compares: Non-Finnish European, 27%; 3,923 homozygotes.

Submission:

CeMIA
Classification: Benign for Hereditary angioedema type 1. Review status: criteria provided, single submitter. Criteria: ACMG Guidelines, 2015. Collection method: clinical testing. Allele origin: germline. Affected: yes.
Comment: This variant is considered likely benign or benign based on one or more of the following criteria: allele frequency is >5% in Exome Sequencing Project, 1000 Genomes Project, or Exome Aggregation Consortium (BA1), allele frequency is greater than expected for disorder (BS1), it is observed in a healthy adult individual (BS2), it is predicted to be benign by multiple in silico algorithms (BP4), it is found in a case with an alternate molecular basis for the disease (BP5) and/or reputable source recently reports variant as benign (BP6).

Literature cited by the submitters: PubMed 31959500.